The following is an entry in ClinVar:

ClinVar aggregate classification (germline): Uncertain significance (1 of 4 stars; one submission).

Conditions:
3-Methylglutaconic aciduria type 2 (BTHS). Also called: Barth syndrome; CARDIOSKELETAL MYOPATHY WITH NEUTROPENIA AND ABNORMAL MITOCHONDRIA. Identifiers: Orphanet 111, MedGen C0574083, MONDO:0010543, OMIM 302060.

Submission:

Labcorp Genetics (formerly Invitae), Labcorp
Classification: Uncertain significance for 3-Methylglutaconic aciduria type 2. Last evaluated: 2024-10-27. Review status: criteria provided, single submitter. Criteria: Invitae Variant Classification Sherloc (09022015). Collection method: clinical testing. Allele origin: germline.
Comment: This sequence change replaces valine, which is neutral and non-polar, with methionine, which is neutral and non-polar, at codon 237 of the TAZ protein (p.Val237Met). This variant is not present in population databases (gnomAD no frequency). This variant has not been reported in the literature in individuals affected with TAZ-related conditions. An algorithm developed to predict the effect of missense changes on protein structure and function (PolyPhen-2) suggests that this variant is likely to be disruptive. In summary, the available evidence is currently insufficient to determine the role of this variant in disease. Therefore, it has been classified as a Variant of Uncertain Significance.

NM_000116.5(TAFAZZIN):c.709G>A (p.Val237Met)

Gene: TAFAZZIN (tafazzin, phospholipid-lysophospholipid transacylase; plus strand). Cytogenetic location: Xq28.
Variant type: single nucleotide variant.
Coding change: c.709G>A on transcript NM_000116.5 (MANE Select); coding-DNA position 709, G replaced by A.
Protein change: p.Val237Met; replaces valine 237 with methionine.
Molecular consequence: missense variant. On other transcripts: non-coding transcript variant (1).
Genome position (GRCh38, 1-based): chrX:154,420,667, G>A. VCF-style: chrX-154420667-G-A. GRCh37 (hg19) VCF-style: chrX-153649006-G-A.
Other names: c.721G>A, p.Val241Met (NM_001303465.2); c.673G>A, p.Val225Met (NM_001410698.1); c.619G>A, p.Val207Met (NM_181311.4); c.667G>A, p.Val223Met (NM_181312.4); c.577G>A, p.Val193Met (NM_181313.4); short protein forms V207M, V223M, V237M, V241M, V193M, V225M.
Identifiers: ClinVar variation 3647431 (VCV003647431.2).